The following is an entry in ClinVar:

NM_198428.3(BBS9):c.1017-22175T>A

Gene: BBS9 (Bardet-Biedl syndrome 9; plus strand). Cytogenetic location: 7p14.3.
Variant type: single nucleotide variant.
Coding change: c.1017-22175T>A on transcript NM_198428.3 (MANE Select); 22175 bases into the intron before coding-DNA position 1017, T replaced by A.
Molecular consequence: intron variant.
Genome position (GRCh38, 1-based): chr7:33,314,266, T>A. VCF-style: chr7-33314266-T-A. GRCh37 (hg19) VCF-style: chr7-33353878-T-A.
Other names: c.1017-22175T>A (NM_001348036.1, NM_001362679.1, NM_001348041.4 and 5 more transcripts); c.744-22175T>A (NM_001348038.3, NM_001348039.3); c.651-22175T>A (NM_001348037.3, NM_001348045.3, NM_001348046.3 and 1 more transcripts); c.882-22175T>A (NM_001348042.3).
Identifiers: ClinVar variation 3239138 (VCV003239138.19), dbSNP rs955530579.

ClinVar aggregate classification (germline): Likely benign (1 of 4 stars; one submission).

Allele frequency attached by ClinVar (database versions not stated): gnomAD 0.00004; TOPMed 0.00004; gnomAD exomes 0.00009.
gnomAD v4.1: 29 of 428,356 alleles (0.0068%); highest among the groups gnomAD compares: Non-Finnish European, 0.012%; no homozygotes.

Submission:

CeGaT Center for Human Genetics Tuebingen
Classification: Likely benign. Last evaluated: 2024-05-01. Review status: criteria provided, single submitter. Criteria: CeGaT Center For Human Genetics Tuebingen Variant Classification Criteria Version 2. Collection method: clinical testing. Allele origin: germline. Affected: yes. Observed: 1 variant allele.
Comment: BBS9: BP4, BP7